The following is an entry in ClinVar:

NM_015378.4(VPS13D):c.229_232dup (p.Trp78fs)

Gene: VPS13D (vacuolar protein sorting 13 homolog D; plus strand). Cytogenetic location: 1p36.22.
Variant type: Duplication.
Coding change: c.229_232dup on transcript NM_015378.4 (MANE Select); coding-DNA positions 229 to 232, 4 bases duplicated (CCTT; older notation c.229_232dupCCTT).
Protein change: p.Trp78fs; shifts the reading frame from tryptophan 78.
Molecular consequence: frameshift variant.
Genome position (GRCh38, 1-based): chr1:12,244,299-12,244,302, CCTT duplicated. VCF-style (leftmost placement, unchanged base first): chr1-12244298-C-CCCTT. GRCh37 (hg19) VCF-style: chr1-12304355-C-CCCTT.
Other names: c.229_232dup, p.Trp78fs (NM_018156.4); short protein forms W78fs.
Identifiers: ClinVar variation 1070403 (VCV001070403.7), dbSNP rs778888582, ClinGen allele CA601155.

ClinVar aggregate classification (germline): Pathogenic (1 of 4 stars; one submission).

Allele frequency attached by ClinVar (database versions not stated): gnomAD exomes below 0.00001 and 0.00001; ExAC 0.00002.

Submission:

Labcorp Genetics (formerly Invitae), Labcorp
Classification: Pathogenic. Last evaluated: 2018-04-30. Review status: criteria provided, single submitter. Criteria: Invitae Variant Classification Sherloc (09022015). Collection method: clinical testing. Allele origin: germline.
Comment: For these reasons, this variant has been classified as Pathogenic. Loss-of-function variants in VPS13D are known to be pathogenic (PMID: 29518281). This variant has not been reported in the literature in individuals with VPS13D-related disease. The frequency data for this variant in the population databases is considered unreliable, as metrics indicate poor data quality at this position in the ExAC database. This sequence change creates a premature translational stop signal (p.Trp78Serfs*23) in the VPS13D gene. It is expected to result in an absent or disrupted protein product.

Literature cited by the submitters: PubMed 29518281.